The following is an entry in ClinVar:

ClinVar aggregate classification (germline): Pathogenic/Likely pathogenic. Review status: criteria provided, multiple submitters, no conflicts (2 of 4 stars). 2 submissions from 2 submitters: Pathogenic (1); Likely pathogenic (1). Last evaluated 2025-03-28.

Conditions:
Encephalopathy, lethal, due to defective mitochondrial peroxisomal fission 1. Identifiers: Orphanet 330050, MedGen C3280660, MONDO:0013726, OMIM 614388.

Allele frequency attached by ClinVar (database versions not stated): TOPMed below 0.00001; gnomAD 0.00001.
gnomAD v4.1: 1 of 1,613,596 alleles (0.000062%); highest among the groups gnomAD compares: African/African-American, 0.0013%; no homozygotes.

Submissions (2):

3billion
Classification: Pathogenic for Encephalopathy, lethal, due to defective mitochondrial peroxisomal fission 1. Last evaluated: 2025-03-28. Review status: criteria provided, single submitter. Criteria: ACMG Guidelines, 2015. Collection method: clinical testing. Allele origin: germline. Affected: yes.
Comment: The variant is observed at an extremely low frequency in the gnomAD v4.1.0 dataset (total allele frequency: <0.001%). Predicted Consequence/Location:Canonical splice site: predicted to alter splicing and result in a loss or disruption of normal protein function. Multiple pathogenic loss-of-function variants are reported downstream of the variant. in silico tools predict the variant to alter splicing and produce an abnormal transcript [SpliceAI: 0.69 (spliceogenicity >=0.2, non-spliceogenicity <0.1)]. The variant has been reported to be associated with DNM1L-related disorder (ClinVar ID: VCV001506895).Therefore, this variant is classified as Pathogenic according to the recommendation of ACMG/AMP guideline.

Labcorp Genetics (formerly Invitae), Labcorp
Classification: Likely pathogenic. Last evaluated: 2021-04-23. Review status: criteria provided, single submitter. Criteria: Invitae Variant Classification Sherloc (09022015). Collection method: clinical testing. Allele origin: germline.
Comment: This sequence change affects a donor splice site in intron 15 of the DNM1L gene. It is expected to disrupt RNA splicing. Variants that disrupt the donor or acceptor splice site typically lead to a loss of protein function (PMID: 16199547), and loss-of-function variants in DNM1L are known to be pathogenic (PMID: 26825290, 27328748). This variant is not present in population databases (ExAC no frequency). In summary, the currently available evidence indicates that the variant is pathogenic, but additional data are needed to prove that conclusively. Therefore, this variant has been classified as Likely Pathogenic. Algorithms developed to predict the effect of sequence changes on RNA splicing suggest that this variant may disrupt the consensus splice site, but this prediction has not been confirmed by published transcriptional studies. This variant has not been reported in the literature in individuals with DNM1L-related conditions.

Literature cited by the submitters: PubMed 16199547 (cited by Labcorp Genetics (formerly Invitae), Labcorp); PubMed 26825290 (cited by Labcorp Genetics (formerly Invitae), Labcorp); PubMed 27328748 (cited by Labcorp Genetics (formerly Invitae), Labcorp).

NM_012062.5(DNM1L):c.1674+1G>A

Gene: DNM1L (dynamin 1 like; plus strand). Cytogenetic location: 12p11.21.
Variant type: single nucleotide variant.
Coding change: c.1674+1G>A on transcript NM_012062.5 (MANE Select); the canonical splice donor site of the intron after coding-DNA position 1674, G replaced by A.
Molecular consequence: splice donor variant. On other transcripts: intron variant (3).
Genome position (GRCh38, 1-based): chr12:32,737,943, G>A. VCF-style: chr12-32737943-G-A. GRCh37 (hg19) VCF-style: chr12-32890877-G-A.
Other names: c.1713+1G>A (NM_001278464.2, NM_001278465.2); c.1635+782G>A (NM_001330380.2); c.1065+1G>A (NM_001278466.2); c.1674+1G>A (NM_001278463.2); c.1597-321G>A (NM_012063.4); c.1596+782G>A (NM_005690.5).
Identifiers: ClinVar variation 1506895 (VCV001506895.9), dbSNP rs201259747, ClinGen allele CA384361426.
Genomic context (GRCh38, chr12:32,737,943, plus strand): 5'-GCTTTGGCACCTGCCTCCCAGGAGCCCTCCCCCGCTGCTTCTGCTGAGGCTGATGGCAAG[G>A]TCTGTTCTGATTCTTAATCTAAGCCTGCATGCCTTGTTCTCTGGTACAACATAATCTTCT-3'